The following is an entry in ClinVar:

ClinVar aggregate classification (germline): Uncertain significance. Review status: criteria provided, multiple submitters, no conflicts (2 of 4 stars). 2 submissions from 2 submitters: Uncertain significance (2). Last evaluated 2023-04-05.

Conditions:
Nephrolithiasis/nephrocalcinosis. Identifiers: MedGen CN580796.
Familial hypocalciuric hypercalcemia (FHH). Also called: Familial benign hypercalcemia. Identifiers: Orphanet 405, MedGen C1809471, MONDO:0018458.
Autosomal dominant hypocalcemia 1 (HYPOC1). Also called: HYPOCALCEMIA, FAMILIAL. Identifiers: MedGen C3715128, MONDO:0011013, OMIM 601198.

Allele frequency attached by ClinVar (database versions not stated): gnomAD below 0.00001 and 0.00001; gnomAD exomes below 0.00001 and 0.00001.
gnomAD v4.1: 11 of 1,614,058 alleles (0.00068%); highest among the groups gnomAD compares: South Asian, 0.012%; 1 homozygote.

Submissions (2):

Labcorp Genetics (formerly Invitae), Labcorp
Classification: Uncertain significance for Familial hypocalciuric hypercalcemia; Autosomal dominant hypocalcemia 1. Last evaluated: 2023-04-05. Review status: criteria provided, single submitter. Criteria: Invitae Variant Classification Sherloc (09022015). Collection method: clinical testing. Allele origin: germline.
Comment: In summary, the available evidence is currently insufficient to determine the role of this variant in disease. Therefore, it has been classified as a Variant of Uncertain Significance. An algorithm developed to predict the effect of missense changes on protein structure and function (PolyPhen-2) suggests that this variant is likely to be tolerated. ClinVar contains an entry for this variant (Variation ID: 1039346). This variant has not been reported in the literature in individuals affected with CASR-related conditions. This variant is present in population databases (no rsID available, gnomAD 0.003%). This sequence change replaces glutamine, which is neutral and polar, with arginine, which is basic and polar, at codon 179 of the CASR protein (p.Gln179Arg).

Ambry Genetics
Classification: Uncertain significance for Nephrolithiasis/nephrocalcinosis. Last evaluated: 2022-06-11. Review status: criteria provided, single submitter. Criteria: Ambry Variant Classification Scheme 2023. Collection method: clinical testing. Allele origin: germline.
Comment: The p.Q179R variant (also known as c.536A>G), located in coding exon 3 of the CASR gene, results from an A to G substitution at nucleotide position 536. The glutamine at codon 179 is replaced by arginine, an amino acid with highly similar properties. This amino acid position is conserved. In addition, this alteration is predicted to be deleterious by in silico analysis. Since supporting evidence is limited at this time, the clinical significance of this alteration remains unclear.

NM_000388.4(CASR):c.536A>G (p.Gln179Arg)

Gene: CASR (calcium sensing receptor; plus strand). Cytogenetic location: 3q21.1.
Variant type: single nucleotide variant.
Coding change: c.536A>G on transcript NM_000388.4 (MANE Select); coding-DNA position 536, A replaced by G.
Protein change: p.Gln179Arg; replaces glutamine 179 with arginine.
Molecular consequence: missense variant.
Genome position (GRCh38, 1-based): chr3:122,261,571, A>G. VCF-style: chr3-122261571-A-G. GRCh37 (hg19) VCF-style: chr3-121980418-A-G.
Other names: c.536A>G, p.Gln179Arg (NM_001178065.2); short protein forms Q179R.
Identifiers: ClinVar variation 1039346 (VCV001039346.11), dbSNP rs878928634, ClinGen allele CA82738221.